The following is an entry in ClinVar:

ClinVar aggregate classification (germline): Uncertain significance (1 of 4 stars; one submission).

Conditions:
Encephalopathy, acute, infection-induced (herpes-specific), susceptibility to, 1. Also called: Herpes simplex encephalitis, susceptibility to, 1. Identifiers: Orphanet 1930, MedGen C2750180, MONDO:0024563, OMIM 610551.

Submission:

Labcorp Genetics (formerly Invitae), Labcorp
Classification: Uncertain significance for Encephalopathy, acute, infection-induced (herpes-specific), susceptibility to, 1. Last evaluated: 2019-08-09. Review status: criteria provided, single submitter. Criteria: Invitae Variant Classification Sherloc (09022015). Collection method: clinical testing. Allele origin: germline.
Comment: In summary, the available evidence is currently insufficient to determine the role of this variant in disease. Therefore, it has been classified as a Variant of Uncertain Significance. Algorithms developed to predict the effect of missense changes on protein structure and function are either unavailable or do not agree on the potential impact of this missense change (SIFT: "Tolerated"; PolyPhen-2: "Not Available"; Align-GVGD: "Class C0"). This variant has not been reported in the literature in individuals with UNC93B1-related conditions. The frequency data for this variant in the population databases is considered unreliable, as metrics indicate insufficient coverage at this position in the ExAC database. This sequence change replaces glycine with glutamic acid at codon 458 of the UNC93B1 protein (p.Gly458Glu). The glycine residue is highly conserved and there is a moderate physicochemical difference between glycine and glutamic acid.

NM_030930.4(UNC93B1):c.1373G>A (p.Gly458Glu)

Gene: UNC93B1 (unc-93B1 regulator of TLR signaling; minus strand). Cytogenetic location: 11q13.2.
Variant type: single nucleotide variant.
Coding change: c.1373G>A on transcript NM_030930.4 (MANE Select); coding-DNA position 1373, G replaced by A.
Protein change: p.Gly458Glu; replaces glycine 458 with glutamic acid.
Molecular consequence: missense variant.
Genome position (GRCh38, 1-based): chr11:67,993,785, C>T on the plus strand (G>A on the coding strand, the complement: UNC93B1 is on the minus strand). VCF-style: chr11-67993785-C-T. GRCh37 (hg19) VCF-style: chr11-67761256-C-T.
Other names: short protein forms G458E.
Identifiers: ClinVar variation 955611 (VCV000955611.8), dbSNP rs1856887625, ClinGen allele CA381569261.
Genomic context (GRCh38, chr11:67,993,785, plus strand): 5'-TGCCACCAGTGGTAGATGGTGAAGATGAAGTCCTGTCTCTCCTTGTCTTCGTACAAGATT[C>T]CCAGGAGTGCTGCAGGCAGGCAGTACAGGGCAGGCAGGGGAGAGGTGTCACCTGGGGCCT-3'
Protein context (NP_112192.2, residues 448-468): LNKTGLSTLL[Gly458Glu]ILYEDKERQD